The following is an entry in ClinVar:

NM_018911.3(PCDHA8):c.4G>A (p.Asp2Asn)

Genes: PCDHA1 (protocadherin alpha 1; plus strand), PCDHA2 (protocadherin alpha 2; plus strand), PCDHA3 (protocadherin alpha 3; plus strand), PCDHA4 (protocadherin alpha 4; plus strand), PCDHA5 (protocadherin alpha 5; plus strand) and 4 more. Cytogenetic location: 5q31.3.
Variant type: single nucleotide variant.
Coding change: c.4G>A on transcript NM_018911.3 (MANE Select); coding-DNA position 4, G replaced by A.
Protein change: p.Asp2Asn; replaces aspartic acid 2 with asparagine.
Molecular consequence: missense variant. On other transcripts: intron variant (9).
Genome position (GRCh38, 1-based): chr5:140,841,325, G>A. VCF-style: chr5-140841325-G-A. GRCh37 (hg19) VCF-style: chr5-140220910-G-A.
Other names: c.4G>A, p.Asp2Asn (NM_031856.2); c.2394+52641G>A (NM_018900.4); c.1602+53433G>A (NM_031411.3); c.2388+43973G>A (NM_018905.3); c.2394+37734G>A (NM_018906.3); c.2385+31753G>A (NM_018907.4); c.2352+17198G>A (NM_018908.3); c.2394+10840G>A (NM_018909.4); and 2 more; short protein forms D2N.
Identifiers: ClinVar variation 2655766 (VCV002655766.22), dbSNP rs111298048, ClinGen allele CA3449394.

ClinVar aggregate classification (germline): Likely benign (1 of 4 stars; one submission).

Allele frequency attached by ClinVar (database versions not stated): 1000 Genomes Project 30x 0.00219; TOPMed 0.00378; gnomAD 0.00480.
gnomAD v4.1: 9,405 of 1,608,142 alleles (0.58%); highest among the groups gnomAD compares: Non-Finnish European, 0.7%; 135 homozygotes.

Submission:

CeGaT Center for Human Genetics Tuebingen
Classification: Likely benign. Last evaluated: 2023-02-01. Review status: criteria provided, single submitter. Criteria: CeGaT Center For Human Genetics Tuebingen Variant Classification Criteria Version 2. Collection method: clinical testing. Allele origin: germline. Affected: yes. Observed: 1 variant allele.
Comment: PCDHA8: BP4, BS2